The following is an entry in ClinVar:

ClinVar aggregate classification (germline): Uncertain significance (1 of 4 stars; one submission).

Allele frequency attached by ClinVar (database versions not stated): gnomAD exomes 0.00003; ExAC 0.00022.
gnomAD v4.1: 42 of 1,531,408 alleles (0.0027%); highest among the groups gnomAD compares: South Asian, 0.05%; no homozygotes.

Submission:

Labcorp Genetics (formerly Invitae), Labcorp
Classification: Uncertain significance. Last evaluated: 2022-07-10. Review status: criteria provided, single submitter. Criteria: Invitae Variant Classification Sherloc (09022015). Collection method: clinical testing. Allele origin: germline.
Comment: This variant is present in population databases (rs749199604, gnomAD 0.06%). In summary, the available evidence is currently insufficient to determine the role of this variant in disease. Therefore, it has been classified as a Variant of Uncertain Significance. Advanced modeling of protein sequence and biophysical properties (such as structural, functional, and spatial information, amino acid conservation, physicochemical variation, residue mobility, and thermodynamic stability) performed at Invitae indicates that this missense variant is not expected to disrupt DCHS1 protein function. This variant has not been reported in the literature in individuals affected with DCHS1-related conditions. This sequence change replaces arginine, which is basic and polar, with tryptophan, which is neutral and slightly polar, at codon 1418 of the DCHS1 protein (p.Arg1418Trp).

NM_003737.4(DCHS1):c.4252C>T (p.Arg1418Trp)

Gene: DCHS1 (dachsous cadherin-related 1; minus strand). Cytogenetic location: 11p15.4.
Variant type: single nucleotide variant.
Coding change: c.4252C>T on transcript NM_003737.4 (MANE Select); coding-DNA position 4252, C replaced by T.
Protein change: p.Arg1418Trp; replaces arginine 1418 with tryptophan.
Molecular consequence: missense variant.
Genome position (GRCh38, 1-based): chr11:6,630,542, G>A on the plus strand (C>T on the coding strand, the complement: DCHS1 is on the minus strand). VCF-style: chr11-6630542-G-A. GRCh37 (hg19) VCF-style: chr11-6651773-G-A.
Other names: short protein forms R1418W.
Identifiers: ClinVar variation 2155861 (VCV002155861.4), dbSNP rs749199604, ClinGen allele CA5860356.
Genomic context (GRCh38, chr11:6,630,542, plus strand): 5'-GCGCAAAGGCGGGCGCATGCTCATTCTCGTCCTGCACTTGCACCTGCACTCGCAGCAGCC[G>A]CGCGCCCGCGCCTCCCGGCCCCTCAGCGCGTACCGTAAGCGCGCGCCACGGCGGGCCAGC-3'
Protein context (NP_003728.1, residues 1408-1428): RAEGPGGAGA[Arg1418Trp]LLRVQVQVQD